The following is an entry in ClinVar:

ClinVar aggregate classification (germline): Uncertain significance. Review status: criteria provided, multiple submitters, no conflicts (2 of 4 stars). 3 submissions from 3 submitters: Uncertain significance (3). Last evaluated 2026-07-28.

Conditions:
Inborn genetic diseases. Identifiers: MedGen C0950123, MeSH D030342.

Allele frequency attached by ClinVar (database versions not stated): ESP Exome Variant Server 0.00031; ExAC 0.00006; gnomAD exomes 0.00004; 1000 Genomes Project 30x 0.00031; TOPMed 0.00029; 1000 Genomes Project 0.00040.
gnomAD v4.1: 99 of 1,613,776 alleles (0.0061%); highest among the groups gnomAD compares: African/African-American, 0.11%; no homozygotes.

Submissions (3):

GeneDx
Classification: Uncertain significance. Last evaluated: 2026-07-28. Review status: criteria provided, single submitter. Criteria: GeneDx Variant Classification Process June 2021. Collection method: clinical testing. Allele origin: germline.
Comment: In silico analysis suggests that this missense variant does not alter protein structure/function; Has not been previously published as pathogenic or benign to our knowledge

Women's Health and Genetics/Laboratory Corporation of America, LabCorp
Classification: Uncertain significance. Last evaluated: 2025-12-09. Review status: criteria provided, single submitter. Criteria: LabCorp Variant Classification Summary - May 2015. Collection method: clinical testing. Allele origin: germline.
Comment: Variant summary: HSPG2 c.8566G>A (p.Ala2856Thr) results in a non-conservative amino acid change in the encoded protein sequence. Algorithms developed to predict the effect of missense changes on protein structure and function are either unavailable or do not agree on the potential impact of this missense change. The variant allele was found at a frequency of 6.4e-05 in 251008 control chromosomes. This frequency is not significantly higher than estimated for disease-causing variants in HSPG2, allowing no conclusion about variant significance. To our knowledge, no occurrence of c.8566G>A in individuals affected with HSPG2-related conditions and no experimental evidence demonstrating its impact on protein function have been reported. ClinVar contains an entry for this variant (Variation ID: 2259610). Based on the evidence outlined above, the variant was classified as uncertain significance.

Ambry Genetics
Classification: Uncertain significance for Inborn genetic diseases. Last evaluated: 2021-08-12. Review status: criteria provided, single submitter. Criteria: Ambry Variant Classification Scheme 2023. Collection method: clinical testing. Allele origin: germline.

NM_005529.7(HSPG2):c.8566G>A (p.Ala2856Thr)

Gene: HSPG2 (heparan sulfate proteoglycan 2; minus strand). Cytogenetic location: 1p36.12.
Variant type: single nucleotide variant.
Coding change: c.8566G>A on transcript NM_005529.7 (MANE Select); coding-DNA position 8566, G replaced by A.
Protein change: p.Ala2856Thr; replaces alanine 2856 with threonine.
Molecular consequence: missense variant.
Genome position (GRCh38, 1-based): chr1:21,844,198, C>T on the plus strand (G>A on the coding strand, the complement: HSPG2 is on the minus strand). VCF-style: chr1-21844198-C-T. GRCh37 (hg19) VCF-style: chr1-22170691-C-T.
Other names: c.8569G>A, p.Ala2857Thr (NM_001291860.2); short protein forms A2856T, A2857T.
Identifiers: ClinVar variation 2259610 (VCV002259610.5), dbSNP rs149816952, ClinGen allele CA670736.